The following is an entry in ClinVar:

ClinVar aggregate classification (germline): Conflicting classifications of pathogenicity. Review status: criteria provided, conflicting classifications (1 of 4 stars). 2 submissions from 2 submitters: Uncertain significance (1); Likely benign (1). Last evaluated 2023-12-16.

Conditions:
Hereditary cancer-predisposing syndrome. Also called: Neoplastic Syndromes, Hereditary; Hereditary neoplastic syndrome; Tumor predisposition; Hereditary Cancer Syndrome. Identifiers: Orphanet 140162, MedGen C0027672, MeSH D009386, MONDO:0015356.
Hereditary breast ovarian cancer syndrome. Also called: BRCA1- and BRCA2-Associated Hereditary Breast and Ovarian Cancer; Hereditary breast and ovarian cancer syndrome (HBOC); Hereditary breast and ovarian cancer syndrome; Hereditary breast and ovarian cancer; Breast and ovarian cancer; Hereditary breast and/or ovarian cancer syndrome. Identifiers: Orphanet 145, MedGen C0677776, MeSH D061325, MONDO:0003582. Disease mechanism: loss of function.

Allele frequency attached by ClinVar (database versions not stated): gnomAD exomes below 0.00001.
gnomAD v4.1: 1 of 1,614,110 alleles (0.000062%); highest among the groups gnomAD compares: Non-Finnish European, 0.000085%; no homozygotes.

Submissions (2):

Ambry Genetics
Classification: Likely benign for Hereditary cancer-predisposing syndrome. Last evaluated: 2023-12-16. Review status: criteria provided, single submitter. Criteria: Ambry Variant Classification Scheme 2023. Collection method: clinical testing. Allele origin: germline.

Labcorp Genetics (formerly Invitae), Labcorp
Classification: Uncertain significance for Hereditary breast ovarian cancer syndrome. Last evaluated: 2021-11-08. Review status: criteria provided, single submitter. Criteria: Invitae Variant Classification Sherloc (09022015). Collection method: clinical testing. Allele origin: germline.
Comment: In summary, the available evidence is currently insufficient to determine the role of this variant in disease. Therefore, it has been classified as a Variant of Uncertain Significance. This sequence change replaces phenylalanine, which is neutral and non-polar, with leucine, which is neutral and non-polar, at codon 3046 of the BRCA2 protein (p.Phe3046Leu). This variant is not present in population databases (gnomAD no frequency). This variant has not been reported in the literature in individuals affected with BRCA2-related conditions. Advanced modeling of protein sequence and biophysical properties (such as structural, functional, and spatial information, amino acid conservation, physicochemical variation, residue mobility, and thermodynamic stability) performed at Invitae indicates that this missense variant is not expected to disrupt BRCA2 protein function.

NM_000059.4(BRCA2):c.9136T>C (p.Phe3046Leu)

Gene: BRCA2 (BRCA2 DNA repair associated; plus strand). Cytogenetic location: 13q13.1.
Variant type: single nucleotide variant.
Coding change: c.9136T>C on transcript NM_000059.4 (MANE Select); coding-DNA position 9136, T replaced by C.
Protein change: p.Phe3046Leu; replaces phenylalanine 3046 with leucine.
Molecular consequence: missense variant.
Genome position (GRCh38, 1-based): chr13:32,380,025, T>C. VCF-style: chr13-32380025-T-C. GRCh37 (hg19) VCF-style: chr13-32954162-T-C.
Other names: c.9136T>C (NM_000059.3); short protein forms F3046L.
Identifiers: ClinVar variation 1392059 (VCV001392059.7), dbSNP rs2072912764, ClinGen allele CA387757838.
Genomic context (GRCh38, chr13:32,380,025, plus strand): 5'-ATGGAATCTCCATATGTTGAATTTTTGTTTTGTTTTCTGTAGGTTTCAGATGAAATTTTA[T>C]TTCAGATTTACCAGCCACGGGAGCCCCTTCACTTCAGCAAATTTTTAGATCCAGACTTTC-3'
Protein context (NP_000050.3, residues 3036-3056): QQLPVSDEIL[Phe3046Leu]QIYQPREPLH